The following is an entry in ClinVar:

NM_004336.5(BUB1):c.3244C>T (p.Arg1082Cys)

Gene: BUB1 (BUB1 mitotic checkpoint serine/threonine kinase; minus strand). Cytogenetic location: 2q13.
Variant type: single nucleotide variant.
Coding change: c.3244C>T on transcript NM_004336.5 (MANE Select); coding-DNA position 3244, C replaced by T.
Protein change: p.Arg1082Cys; replaces arginine 1082 with cysteine.
Molecular consequence: missense variant.
Genome position (GRCh38, 1-based): chr2:110,637,978, G>A on the plus strand (C>T on the coding strand, the complement: BUB1 is on the minus strand). VCF-style: chr2-110637978-G-A. GRCh37 (hg19) VCF-style: chr2-111395555-G-A.
Other names: c.3184C>T, p.Arg1062Cys (NM_001278616.2); c.3073C>T, p.Arg1025Cys (NM_001278617.2); short protein forms R1025C, R1062C, R1082C.
Identifiers: ClinVar variation 1729330 (VCV001729330.4), dbSNP rs372788700, ClinGen allele CA1827614.

ClinVar aggregate classification (germline): Uncertain significance. Review status: criteria provided, multiple submitters, no conflicts (2 of 4 stars). 2 submissions from 2 submitters: Uncertain significance (2). Last evaluated 2025-12-02.

Allele frequency attached by ClinVar (database versions not stated): TOPMed 0.00002; gnomAD 0.00003; ESP Exome Variant Server 0.00008; ExAC 0.00010.
gnomAD v4.1: 77 of 1,496,566 alleles (0.0051%); highest among the groups gnomAD compares: South Asian, 0.044%; 1 homozygote.

Submissions (2):

Labcorp Genetics (formerly Invitae), Labcorp
Classification: Uncertain significance. Last evaluated: 2025-12-02. Review status: criteria provided, single submitter. Criteria: Invitae Variant Classification Sherloc (09022015). Collection method: clinical testing. Allele origin: germline.
Comment: This sequence change replaces arginine, which is basic and polar, with cysteine, which is neutral and slightly polar, at codon 1082 of the BUB1 protein (p.Arg1082Cys). This variant is present in population databases (rs372788700, gnomAD 0.05%). This variant has not been reported in the literature in individuals affected with BUB1-related conditions. ClinVar contains an entry for this variant (Variation ID: 1729330). Experimental studies and prediction algorithms are not available or were not evaluated, and the functional significance of this variant is currently unknown. Algorithms developed to predict the effect of sequence changes on RNA splicing suggest that this variant may create or strengthen a splice site. In summary, the available evidence is currently insufficient to determine the role of this variant in disease. Therefore, it has been classified as a Variant of Uncertain Significance.

Ambry Genetics
Classification: Uncertain significance. Last evaluated: 2023-07-28. Review status: criteria provided, single submitter. Criteria: Ambry Variant Classification Scheme 2023. Collection method: clinical testing. Allele origin: germline.
Comment: The p.R1082C variant (also known as c.3244C>T), located in coding exon 25 of the BUB1 gene, results from a C to T substitution at nucleotide position 3244. The arginine at codon 1082 is replaced by cysteine, an amino acid with highly dissimilar properties. This amino acid position is conserved. In addition, this alteration is predicted to be tolerated by in silico analysis. Since supporting evidence is limited at this time, the clinical significance of this alteration remains unclear.